The following is an entry in ClinVar:

NM_000443.4(ABCB4):c.3139_3141delinsCC (p.Ala1047fs)

Gene: ABCB4 (ATP binding cassette subfamily B member 4; minus strand). Cytogenetic location: 7q21.12.
Variant type: Indel.
Coding change: c.3139_3141delinsCC on transcript NM_000443.4 (MANE Select); coding-DNA positions 3139 to 3141, GCA replaced by CC.
Protein change: p.Ala1047fs; shifts the reading frame from alanine 1047.
Molecular consequence: frameshift variant.
Genome position (GRCh38, 1-based): chr7:87,408,175-87,408,177, TGC replaced by GG on the plus strand (GCA replaced by CC on the coding strand, the reverse complement: ABCB4 is on the minus strand). VCF-style: chr7-87408175-TGC-GG. GRCh37 (hg19) VCF-style: chr7-87037491-TGC-GG.
Other names: c.3139_3141delinsCC, p.Ala1047fs (NM_018849.3); c.2998_3000delinsCC, p.Ala1000fs (NM_018850.3); short protein forms A1000fs, A1047fs.
Identifiers: ClinVar variation 3594921 (VCV003594921.2).
Genomic context (GRCh38, chr7:87,408,175, plus strand): 5'-CAGGGCTAGTGTCTGGCCTTTCTTCACCTCCAGGCTCAGCCCCTGAAGCACTGGCACGTT[TGC>GG]TCGGGTGGGATAGTTGAACACGACTTCATTAAATGTTATATTTCCTTCAAATTTATCCTG-3'

ClinVar aggregate classification (germline): Pathogenic. Review status: criteria provided, multiple submitters, no conflicts (2 of 4 stars). 2 submissions from 2 submitters: Pathogenic (2). Last evaluated 2026-04-14.

Conditions:
Low phospholipid associated cholelithiasis (GBD1). Also called: Gallstone cholecystitis; Gallbladder disease 1. Identifiers: Orphanet 69663, MedGen C2609268, MONDO:0010939, OMIM 600803.
Progressive familial intrahepatic cholestasis type 3. Also called: MDR3 DEFICIENCY; Low Gamma-GT Familial Intrahepatic Cholestasis. Identifiers: Orphanet 79305, MedGen C1865643, MONDO:0011214, OMIM 602347.
Cholestasis, intrahepatic, of pregnancy, 3. Identifiers: Orphanet 69665, MedGen C3554241, MONDO:0013995, OMIM 614972.
Familial intrahepatic cholestasis. Identifiers: Orphanet 284385, MedGen CN296401, MONDO:0017290.

Submissions (2):

Genomenon, Inc
Classification: Pathogenic for Familial intrahepatic cholestasis. Last evaluated: 2026-04-14. Review status: criteria provided, single submitter. Criteria: Genomenon Sequence Variant Interpretation Standards - Updated. Collection method: curation. Allele origin: germline. Affected: yes.
Comment: ABCB4 p.Ala1047ProfsTer9 (c.3139_3141delinsCC) is a frameshift variant that results in the production of a truncated protein which is predicted to undergo nonsense-mediated mRNA decay. This variant has been observed in at least one proband with an ABCB4-related disorder (PMID:33215027). It is absent or not present at a significant frequency in gnomAD. In conclusion, we classify ABCB4 p.Ala1047ProfsTer9 (c.3139_3141delinsCC) as a pathogenic variant.

Fulgent Genetics
Classification: Pathogenic for Low phospholipid associated cholelithiasis; Progressive familial intrahepatic cholestasis type 3; Cholestasis, intrahepatic, of pregnancy, 3. Last evaluated: 2024-04-07. Review status: criteria provided, single submitter. Criteria: ACMG Guidelines, 2015. Collection method: clinical testing. Allele origin: germline.

Literature cited by the submitters: PubMed 33215027 (cited by Genomenon, Inc).